The following is an entry in ClinVar:

ClinVar aggregate classification (germline): Uncertain significance (1 of 4 stars; one submission).

Conditions:
Bethlem myopathy 1A. Also called: Bethlem myopathy 1; Bethlem Muscular Dystrophy; MYOPATHY, BENIGN CONGENITAL, WITH CONTRACTURES. Identifiers: Orphanet 610, MedGen CN029274, MONDO:0024530, OMIM 158810.

Allele frequency attached by ClinVar (database versions not stated): gnomAD exomes below 0.00001.

Submission:

Labcorp Genetics (formerly Invitae), Labcorp
Classification: Uncertain significance for Bethlem myopathy 1A. Last evaluated: 2022-11-10. Review status: criteria provided, single submitter. Criteria: Invitae Variant Classification Sherloc (09022015). Collection method: clinical testing. Allele origin: germline.
Comment: This sequence change replaces glycine, which is neutral and non-polar, with aspartic acid, which is acidic and polar, at codon 776 of the COL6A1 protein (p.Gly776Asp). This variant is not present in population databases (gnomAD no frequency). This variant has not been reported in the literature in individuals affected with COL6A1-related conditions. Advanced modeling of protein sequence and biophysical properties (such as structural, functional, and spatial information, amino acid conservation, physicochemical variation, residue mobility, and thermodynamic stability) performed at Invitae indicates that this missense variant is not expected to disrupt COL6A1 protein function. Algorithms developed to predict the effect of sequence changes on RNA splicing suggest that this variant may disrupt the consensus splice site. In summary, the available evidence is currently insufficient to determine the role of this variant in disease. Therefore, it has been classified as a Variant of Uncertain Significance.

NM_001848.3(COL6A1):c.2327G>A (p.Gly776Asp)

Gene: COL6A1 (collagen type VI alpha 1 chain; plus strand). Cytogenetic location: 21q22.3.
Variant type: single nucleotide variant.
Coding change: c.2327G>A on transcript NM_001848.3 (MANE Select); coding-DNA position 2327, G replaced by A.
Protein change: p.Gly776Asp; replaces glycine 776 with aspartic acid.
Molecular consequence: missense variant.
Genome position (GRCh38, 1-based): chr21:46,002,603, G>A. VCF-style: chr21-46002603-G-A. GRCh37 (hg19) VCF-style: chr21-47422517-G-A.
Other names: short protein forms G776D.
Identifiers: ClinVar variation 2740526 (VCV002740526.3), dbSNP rs2526351152, ClinGen allele CA410536500.